The following is an entry in ClinVar:

ClinVar aggregate classification (germline): Uncertain significance. Review status: criteria provided, multiple submitters, no conflicts (2 of 4 stars). 4 submissions from 4 submitters: Uncertain significance (3). 1 of the submissions does not count toward it. Last evaluated 2025-10-01.

Conditions:
Long QT syndrome (LQTS). Identifiers: MedGen C0023976, MeSH D008133, MONDO:0002442. Disease mechanism: loss of function. Inheritance: Various modes of inheritance.
Meniere disease. Also called: Ménière's disease. Identifiers: MedGen C0025281, MONDO:0007972, OMIM 156000.
Cardiovascular phenotype. Identifiers: MedGen CN230736.

Allele frequency attached by ClinVar (database versions not stated): TOPMed below 0.00001; ExAC 0.00001; gnomAD exomes 0.00001.

Submissions (4):

GeneDx
Classification: Uncertain significance. Last evaluated: 2025-10-01. Review status: criteria provided, single submitter. Criteria: GeneDx Variant Classification Process June 2021. Collection method: clinical testing. Allele origin: germline. Affected: yes.
Comment: Not observed at significant frequency in large population cohorts (gnomAD); In silico analysis supports that this missense variant has a deleterious effect on protein structure/function; Has not been previously published as pathogenic or benign to our knowledge

Labcorp Genetics (formerly Invitae), Labcorp
Classification: Uncertain significance for Long QT syndrome. Last evaluated: 2024-07-14. Review status: criteria provided, single submitter. Criteria: Invitae Variant Classification Sherloc (09022015). Collection method: clinical testing. Allele origin: germline.
Comment: This sequence change replaces methionine, which is neutral and non-polar, with valine, which is neutral and non-polar, at codon 1327 of the ANK2 protein (p.Met1327Val). This variant is present in population databases (rs778074732, gnomAD 0.009%). This variant has not been reported in the literature in individuals affected with ANK2-related conditions. ClinVar contains an entry for this variant (Variation ID: 190569). Advanced modeling of protein sequence and biophysical properties (such as structural, functional, and spatial information, amino acid conservation, physicochemical variation, residue mobility, and thermodynamic stability) performed at Invitae indicates that this missense variant is not expected to disrupt ANK2 protein function with a negative predictive value of 80%. In summary, the available evidence is currently insufficient to determine the role of this variant in disease. Therefore, it has been classified as a Variant of Uncertain Significance.

Ambry Genetics
Classification: Uncertain significance for Cardiovascular phenotype. Last evaluated: 2023-09-19. Review status: criteria provided, single submitter. Criteria: Ambry Variant Classification Scheme 2023. Collection method: clinical testing. Allele origin: germline.
Comment: The p.M1327V variant (also known as c.3979A>G), located in coding exon 33 of the ANK2 gene, results from an A to G substitution at nucleotide position 3979. The methionine at codon 1327 is replaced by valine, an amino acid with highly similar properties. According to data from gnomAD, the frequency for this variant is above the maximum credible frequency for a cardiac disease-causing variant in this gene based on internally established thresholds (Karczewski et al. Nature. 2020 May;581(7809):434-443; Whiffin et al. Genet Med. 2017 10;19:1151- 1158). This amino acid position is highly conserved in available vertebrate species. In addition, the in silico prediction for this alteration is inconclusive. Based on the supporting evidence, the association of this alteration with ANK2-related neurodevelopmental disorder is unknown; however, the association with ANK2-related arrhythmia is unlikely.

Center for Computational Biology & Bioinformatics, University of California, San Diego
Classification: Uncertain significance for Meniere disease. Last evaluated: 2024-06-03. Review status: no assertion criteria provided. Collection method: research. Allele origin: germline. Affected: yes. Not counted in ClinVar's aggregate classification.

NM_001148.6(ANK2):c.3979A>G (p.Met1327Val)

Gene: ANK2 (ankyrin 2; plus strand). Cytogenetic location: 4q26.
Variant type: single nucleotide variant.
Coding change: c.3979A>G on transcript NM_001148.6 (MANE Select); coding-DNA position 3979, A replaced by G.
Protein change: p.Met1327Val; replaces methionine 1327 with valine.
Molecular consequence: missense variant.
Genome position (GRCh38, 1-based): chr4:113,341,773, A>G. VCF-style: chr4-113341773-A-G. GRCh37 (hg19) VCF-style: chr4-114262929-A-G.
Other names: p.M1327V:ATG>GTG; c.3952A>G, p.Met1318Val (NM_001127493.3); c.3991A>G, p.Met1331Val (NM_001354225.2); c.3880A>G, p.Met1294Val (NM_001354228.2, NM_001354258.2); c.3958A>G, p.Met1320Val (NM_001354230.2); c.4021A>G, p.Met1341Val (NM_001354231.2, NM_001354242.2); c.4015A>G, p.Met1339Val (NM_001354232.2); c.3976A>G, p.Met1326Val (NM_001354235.2, NM_001354246.2, NM_001354265.2); and 32 more; short protein forms M1318V, M1327V, M1256V, M1260V, M1317V, M1331V, M1341V, M1353V.
Identifiers: ClinVar variation 190569 (VCV000190569.10), dbSNP rs778074732, ClinGen allele CA300903.